The following is an entry in ClinVar:

ClinVar aggregate classification (germline): Uncertain significance (1 of 4 stars; one submission).

Conditions:
Deficiency of alpha-mannosidase (MANSA). Also called: Alpha-Mannosidosis; LYSOSOMAL ALPHA-D-MANNOSIDASE DEFICIENCY; Mannosidosis, alpha-, types I and II. Identifiers: Orphanet 61, MedGen C0024748, MONDO:0009561, OMIM 248500.

Allele frequency attached by ClinVar (database versions not stated): gnomAD exomes below 0.00001.
gnomAD v4.1: 1 of 1,614,002 alleles (0.000062%); highest among the groups gnomAD compares: Admixed American, 0.0017%; no homozygotes.

Submission:

Labcorp Genetics (formerly Invitae), Labcorp
Classification: Uncertain significance for Deficiency of alpha-mannosidase. Last evaluated: 2024-02-24. Review status: criteria provided, single submitter. Criteria: Invitae Variant Classification Sherloc (09022015). Collection method: clinical testing. Allele origin: germline.
Comment: This sequence change replaces proline, which is neutral and non-polar, with serine, which is neutral and polar, at codon 562 of the MAN2B1 protein (p.Pro562Ser). This variant is present in population databases (no rsID available, gnomAD 0.003%). This variant has not been reported in the literature in individuals affected with MAN2B1-related conditions. ClinVar contains an entry for this variant (Variation ID: 1482929). Advanced modeling of protein sequence and biophysical properties (such as structural, functional, and spatial information, amino acid conservation, physicochemical variation, residue mobility, and thermodynamic stability) performed at Invitae indicates that this missense variant is not expected to disrupt MAN2B1 protein function with a negative predictive value of 95%. In summary, the available evidence is currently insufficient to determine the role of this variant in disease. Therefore, it has been classified as a Variant of Uncertain Significance.

NM_000528.4(MAN2B1):c.1684C>T (p.Pro562Ser)

Gene: MAN2B1 (mannosidase alpha class 2B member 1; minus strand). Cytogenetic location: 19p13.13.
Variant type: single nucleotide variant.
Coding change: c.1684C>T on transcript NM_000528.4 (MANE Select); coding-DNA position 1684, C replaced by T.
Protein change: p.Pro562Ser; replaces proline 562 with serine.
Molecular consequence: missense variant.
Genome position (GRCh38, 1-based): chr19:12,655,840, G>A on the plus strand (C>T on the coding strand, the complement: MAN2B1 is on the minus strand). VCF-style: chr19-12655840-G-A. GRCh37 (hg19) VCF-style: chr19-12766654-G-A.
Other names: c.1681C>T, p.Pro561Ser (NM_001173498.2); short protein forms P562S, P561S.
Identifiers: ClinVar variation 1482929 (VCV001482929.5), dbSNP rs1303843843, ClinGen allele CA404244988.